The following is an entry in ClinVar:

NM_000038.6(APC):c.164T>C (p.Ile55Thr)

Gene: APC (APC regulator of Wnt signaling pathway; plus strand). Cytogenetic location: 5q22.2.
Variant type: single nucleotide variant.
Coding change: c.164T>C on transcript NM_000038.6 (MANE Select); coding-DNA position 164, T replaced by C.
Protein change: p.Ile55Thr; replaces isoleucine 55 with threonine.
Molecular consequence: missense variant. On other transcripts: 5 prime UTR variant (4).
Genome position (GRCh38, 1-based): chr5:112,766,354, T>C. VCF-style: chr5-112766354-T-C. GRCh37 (hg19) VCF-style: chr5-112102051-T-C.
Other names: c.164T>C, p.Ile55Thr (NM_001127510.3, NM_001354895.2, NM_001354896.2 and 2 more transcripts); c.194T>C, p.Ile65Thr (NM_001127511.3, NM_001354897.2, NM_001354902.2); c.89T>C, p.Ile30Thr (NM_001354898.2, NM_001354904.2); c.-14T>C (NM_001354900.2, NM_001354901.2, NM_001354905.2); c.-872T>C (NM_001354906.2); short protein forms I55T, I65T, I30T.
Identifiers: ClinVar variation 537507 (VCV000537507.10), dbSNP rs1554069530, ClinGen allele CA16021704.

ClinVar aggregate classification (germline): Uncertain significance (1 of 4 stars; one submission).

Conditions:
Familial adenomatous polyposis 1 (FAP1). Also called: FAMILIAL ADENOMATOUS POLYPOSIS 1, ATTENUATED; POLYPOSIS, ADENOMATOUS INTESTINAL. Identifiers: MedGen C2713442, MONDO:0021056, OMIM 175100. Disease mechanism: loss of function.

Allele frequency attached by ClinVar (database versions not stated): gnomAD exomes below 0.00001.
gnomAD v4.1: 1 of 1,611,220 alleles (0.000062%); highest among the groups gnomAD compares: Non-Finnish European, 0.000085%; no homozygotes.

Submission:

Labcorp Genetics (formerly Invitae), Labcorp
Classification: Uncertain significance for Familial adenomatous polyposis 1. Last evaluated: 2017-08-27. Review status: criteria provided, single submitter. Criteria: Invitae Variant Classification Sherloc (09022015). Collection method: clinical testing. Allele origin: germline.
Comment: In summary, the available evidence is currently insufficient to determine the role of this variant in disease. Therefore, it has been classified as a Variant of Uncertain Significance. Algorithms developed to predict the effect of missense changes on protein structure and function do not agree on the potential impact of this missense change (SIFT: "Deleterious"; PolyPhen-2: "Probably Damaging"; Align-GVGD: "Class C0"). This variant has not been reported in the literature in individuals with APC-related disease. This variant is not present in population databases (ExAC no frequency). This sequence change replaces isoleucine with threonine at codon 55 of the APC protein (p.Ile55Thr). The isoleucine residue is highly conserved and there is a moderate physicochemical difference between isoleucine and threonine.